The following is an entry in ClinVar:

ClinVar aggregate classification (germline): Uncertain significance (1 of 4 stars; one submission).

Conditions:
Myofibrillar myopathy 5. Also called: FILAMINOPATHY, AUTOSOMAL DOMINANT; Filaminopathy (type). Identifiers: Orphanet 171445, MedGen C1836050, MONDO:0012289, OMIM 609524.
Distal myopathy with posterior leg and anterior hand involvement. Also called: WILLIAMS DISTAL MYOPATHY. Identifiers: Orphanet 63273, MedGen C3279722, MONDO:0013550, OMIM 614065.
Hypertrophic cardiomyopathy 26. Also called: Cardiomyopathy, familial hypertrophic, 26. Identifiers: Orphanet 75249, MedGen C4310749, MONDO:0014883, OMIM 617047.

Submission:

Labcorp Genetics (formerly Invitae), Labcorp
Classification: Uncertain significance for Distal myopathy with posterior leg and anterior hand involvement; Myofibrillar myopathy 5; Hypertrophic cardiomyopathy 26. Last evaluated: 2023-05-08. Review status: criteria provided, single submitter. Criteria: Invitae Variant Classification Sherloc (09022015). Collection method: clinical testing. Allele origin: germline.
Comment: This sequence change replaces proline, which is neutral and non-polar, with alanine, which is neutral and non-polar, at codon 522 of the FLNC protein (p.Pro522Ala). This variant is not present in population databases (gnomAD no frequency). This variant has not been reported in the literature in individuals affected with FLNC-related conditions. ClinVar contains an entry for this variant (Variation ID: 860024). Advanced modeling of protein sequence and biophysical properties (such as structural, functional, and spatial information, amino acid conservation, physicochemical variation, residue mobility, and thermodynamic stability) has been performed at Invitae for this missense variant, however the output from this modeling did not meet the statistical confidence thresholds required to predict the impact of this variant on FLNC protein function. In summary, the available evidence is currently insufficient to determine the role of this variant in disease. Therefore, it has been classified as a Variant of Uncertain Significance.

NM_001458.5(FLNC):c.1564C>G (p.Pro522Ala)

Gene: FLNC (filamin C; plus strand). Cytogenetic location: 7q32.1.
Variant type: single nucleotide variant.
Coding change: c.1564C>G on transcript NM_001458.5 (MANE Select); coding-DNA position 1564, C replaced by G.
Protein change: p.Pro522Ala; replaces proline 522 with alanine.
Molecular consequence: missense variant.
Genome position (GRCh38, 1-based): chr7:128,840,562, C>G. VCF-style: chr7-128840562-C-G. GRCh37 (hg19) VCF-style: chr7-128480616-C-G.
Other names: c.1564C>G, p.Pro522Ala (NM_001127487.2); short protein forms P522A.
Identifiers: ClinVar variation 860024 (VCV000860024.11), dbSNP rs1808287052, ClinGen allele CA369226457.
Genomic context (GRCh38, chr7:128,840,562, plus strand): 5'-AGGATATTGATCTGCCTTCTTCCCCACCCTGCCCCCATCTCCTCAGAGGGCACAGAGGAG[C>G]CAGTGAAGGTGCGGGAGGCTGGGGATGGTGTGTTCGAGTGCGAGTACTACCCGGTGGTGC-3'
Protein context (NP_001449.3, residues 512-532): TVKGPKGTEE[Pro522Ala]VKVREAGDGV